The following is an entry in ClinVar:

ClinVar aggregate classification (germline): Uncertain significance (1 of 4 stars; one submission).

Conditions:
Juvenile polyposis syndrome (JPS). Identifiers: Orphanet 2929, MedGen C0345893, MONDO:0017380, OMIM 174900.

Submission:

Labcorp Genetics (formerly Invitae), Labcorp
Classification: Uncertain significance for Juvenile polyposis syndrome. Last evaluated: 2021-12-31. Review status: criteria provided, single submitter. Criteria: Invitae Variant Classification Sherloc (09022015). Collection method: clinical testing. Allele origin: germline.
Comment: In summary, the available evidence is currently insufficient to determine the role of this variant in disease. Therefore, it has been classified as a Variant of Uncertain Significance. Advanced modeling of protein sequence and biophysical properties (such as structural, functional, and spatial information, amino acid conservation, physicochemical variation, residue mobility, and thermodynamic stability) performed at Invitae indicates that this missense variant is not expected to disrupt BMPR1A protein function. This variant has not been reported in the literature in individuals affected with BMPR1A-related conditions. This variant is not present in population databases (gnomAD no frequency). This sequence change replaces isoleucine, which is neutral and non-polar, with threonine, which is neutral and polar, at codon 482 of the BMPR1A protein (p.Ile482Thr).

NM_004329.3(BMPR1A):c.1445T>C (p.Ile482Thr)

Gene: BMPR1A (bone morphogenetic protein receptor type 1A; plus strand). Cytogenetic location: 10q23.2.
Variant type: single nucleotide variant.
Coding change: c.1445T>C on transcript NM_004329.3 (MANE Select); coding-DNA position 1445, T replaced by C.
Protein change: p.Ile482Thr; replaces isoleucine 482 with threonine.
Molecular consequence: missense variant.
Genome position (GRCh38, 1-based): chr10:86,923,478, T>C. VCF-style: chr10-86923478-T-C. GRCh37 (hg19) VCF-style: chr10-88683235-T-C.
Other names: c.1361T>C, p.Ile454Thr (NM_001406584.1, NM_001406585.1, NM_001406586.1 and 2 more transcripts); c.1103T>C, p.Ile368Thr (NM_001406589.1); c.1520T>C, p.Ile507Thr (NM_001406559.1); c.1493T>C, p.Ile498Thr (NM_001406560.1); c.1445T>C, p.Ile482Thr (NM_001406561.1, NM_001406562.1, NM_001406563.1 and 19 more transcripts); c.1439T>C, p.Ile480Thr (NM_001406583.1); short protein forms I480T, I368T, I498T, I507T, I454T, I482T.
Identifiers: ClinVar variation 2067901 (VCV002067901.4), dbSNP rs2539649650, ClinGen allele CA377463129.